The following is an entry in ClinVar:

ClinVar aggregate classification (germline): Benign (1 of 4 stars; one submission).

Conditions:
Retinoblastoma (RB1). Also called: RETINOBLASTOMA, SOMATIC. Identifiers: Orphanet 790, MedGen C0035335, MeSH D012175, MONDO:0008380, OMIM 180200, HP:0009919. Disease mechanism: loss of function. Inheritance: Both sporadic and heritable forms are tested..

gnomAD v4.1: 1 of 1,554,592 alleles (0.000064%); highest among the groups gnomAD compares: Non-Finnish European, 0.000087%; no homozygotes.

Submission:

Myriad Genetics, Inc.
Classification: Benign for Retinoblastoma. Last evaluated: 2026-06-24. Review status: criteria provided, single submitter. Criteria: Myriad Autosomal Dominant, Autosomal Recessive and X-Linked Classification Criteria (2023). Collection method: clinical testing. Allele origin: unknown.
Comment: This variant is considered benign. This variant is a silent/synonymous amino acid change and it is not expected to impact splicing.

NM_000321.3(RB1):c.867A>G (p.Lys289=)

Gene: RB1 (RB transcriptional corepressor 1; plus strand). Cytogenetic location: 13q14.2.
Variant type: single nucleotide variant.
Coding change: c.867A>G on transcript NM_000321.3 (MANE Select); coding-DNA position 867, A replaced by G.
Protein change: p.Lys289=; no amino-acid change (lysine 289 retained).
Molecular consequence: synonymous variant.
Genome position (GRCh38, 1-based): chr13:48,364,899, A>G. VCF-style: chr13-48364899-A-G. GRCh37 (hg19) VCF-style: chr13-48939035-A-G.
Other names: c.867A>G, p.Lys289= (NM_001407165.1, NM_001407166.1).
Identifiers: ClinVar variation 4875895 (VCV004875895.1).